The following is an entry in ClinVar:

ClinVar aggregate classification (germline): Uncertain significance (1 of 4 stars; one submission).

Conditions:
Aicardi-Goutieres syndrome 6 (AGS6). Identifiers: Orphanet 51, MedGen C3539013, MONDO:0014007, OMIM 615010.
Symmetrical dyschromatosis of extremities (DSH). Also called: RETICULATE ACROPIGMENTATION OF DOHI; SYMMETRIC DYSCHROMATOSIS OF THE EXTREMITIES; Dyschromatosis symmetrica hereditaria; DYSCHROMATOSIS SYMMETRICA HEREDITARIA 1. Identifiers: Orphanet 41, MedGen C0406775, MONDO:0007483, OMIM 127400.

Allele frequency attached by ClinVar (database versions not stated): gnomAD exomes 0.00001.
gnomAD v4.1: 15 of 1,614,146 alleles (0.00093%); highest among the groups gnomAD compares: Non-Finnish European, 0.0013%; no homozygotes.

Submission:

Labcorp Genetics (formerly Invitae), Labcorp
Classification: Uncertain significance for Aicardi-Goutieres syndrome 6; Symmetrical dyschromatosis of extremities. Last evaluated: 2020-06-15. Review status: criteria provided, single submitter. Criteria: Invitae Variant Classification Sherloc (09022015). Collection method: clinical testing. Allele origin: germline.
Comment: In summary, the available evidence is currently insufficient to determine the role of this variant in disease. Therefore, it has been classified as a Variant of Uncertain Significance. Algorithms developed to predict the effect of missense changes on protein structure and function (SIFT, PolyPhen-2, Align-GVGD) all suggest that this variant is likely to be tolerated, but these predictions have not been confirmed by published functional studies and their clinical significance is uncertain. This variant has not been reported in the literature in individuals with ADAR-related conditions. This variant is not present in population databases (ExAC no frequency). This sequence change replaces glutamic acid with glycine at codon 800 of the ADAR protein (p.Glu800Gly). The glutamic acid residue is moderately conserved and there is a moderate physicochemical difference between glutamic acid and glycine.

NM_001111.5(ADAR):c.2399A>G (p.Glu800Gly)

Gene: ADAR (adenosine deaminase RNA specific; minus strand). Cytogenetic location: 1q21.3.
Variant type: single nucleotide variant.
Coding change: c.2399A>G on transcript NM_001111.5 (MANE Select); coding-DNA position 2399, A replaced by G.
Protein change: p.Glu800Gly; replaces glutamic acid 800 with glycine.
Molecular consequence: missense variant.
Genome position (GRCh38, 1-based): chr1:154,590,281, T>C on the plus strand (A>G on the coding strand, the complement: ADAR is on the minus strand). VCF-style: chr1-154590281-T-C. GRCh37 (hg19) VCF-style: chr1-154562757-T-C.
Other names: c.1514A>G, p.Glu505Gly (NM_001025107.3, NM_001193495.2, NM_001365046.1 and 3 more transcripts); c.2426A>G, p.Glu809Gly (NM_001365045.1); c.2399A>G, p.Glu800Gly (NM_015840.4); c.2342A>G, p.Glu781Gly (NM_015841.4); short protein forms E505G, E781G, E800G, E809G.
Identifiers: ClinVar variation 1008717 (VCV001008717.8), dbSNP rs1697057806, ClinGen allele CA342637333.